The following is an entry in ClinVar:

NM_000091.5(COL4A3):c.88-4C>T

Genes: COL4A3 (collagen type IV alpha 3 chain; plus strand), MFF-DT (MFF divergent transcript; minus strand). Cytogenetic location: 2q36.3.
Variant type: single nucleotide variant.
Coding change: c.88-4C>T on transcript NM_000091.5 (MANE Select); 4 bases into the intron before coding-DNA position 88, C replaced by T.
Molecular consequence: intron variant.
Genome position (GRCh38, 1-based): chr2:227,237,964, C>T. VCF-style: chr2-227237964-C-T. GRCh37 (hg19) VCF-style: chr2-228102680-C-T.
Other names: p.?.
Identifiers: ClinVar variation 255008 (VCV000255008.27), dbSNP rs148393022, ClinGen allele CA2145905.

ClinVar aggregate classification (germline): Benign. Review status: criteria provided, multiple submitters, no conflicts (2 of 4 stars). 13 submissions from 13 submitters: Benign (10). 3 of the submissions do not count toward it. Last evaluated 2026-02-04.

Conditions:
Alport syndrome. Also called: Hemorrhagic familial nephritis; Hemorrhagic hereditary nephritis; Congenital hereditary hematuria. Identifiers: Orphanet 63, MedGen C1567741, MONDO:0018965.
Focal segmental glomerulosclerosis (FSGS). Also called: Glomerulosclerosis, focal; Focal sclerosis with hyalinosis. Identifiers: MedGen C0017668, MONDO:0100313, HP:0000097. Disease mechanism: loss of function.

Allele frequency attached by ClinVar (database versions not stated): ESP Exome Variant Server 0.00144; gnomAD exomes 0.00407 and 0.01713; gnomAD 0.00744 and 0.00777; TOPMed 0.01355; ExAC 0.01368; 1000 Genomes Project 30x 0.01515; 1000 Genomes Project 0.01538.
gnomAD v4.1: 7,086 of 1,608,052 alleles (0.44%); highest among the groups gnomAD compares: Admixed American, 9%; 328 homozygotes.

Submissions (13):

Labcorp Genetics (formerly Invitae), Labcorp
Classification: Benign. Last evaluated: 2026-02-04. Review status: criteria provided, single submitter. Criteria: Invitae Variant Classification Sherloc (09022015). Collection method: clinical testing. Allele origin: germline.

Blueprint Genetics
Classification: Benign. Last evaluated: 2024-11-19. Review status: criteria provided, single submitter. Criteria: ACMG Guidelines, 2015. Collection method: clinical testing. Allele origin: germline.

Mayo Clinic Laboratories, Mayo Clinic
Classification: Benign. Last evaluated: 2023-04-03. Review status: criteria provided, single submitter. Criteria: ACMG Guidelines, 2015. Collection method: clinical testing. Allele origin: germline. Observed: 7 variant alleles.

Genome Diagnostics Laboratory, The Hospital for Sick Children
Classification: Benign for Focal segmental glomerulosclerosis. Last evaluated: 2022-09-02. Review status: criteria provided, single submitter. Criteria: ACMG Guidelines, 2015. Collection method: clinical testing. Allele origin: germline.

Women's Health and Genetics/Laboratory Corporation of America, LabCorp
Classification: Benign. Last evaluated: 2018-10-29. Review status: criteria provided, single submitter. Criteria: LabCorp Variant Classification Summary - May 2015. Collection method: clinical testing. Allele origin: germline.
Comment: Variant summary: COL4A3 c.88-4C>T alters a non-conserved nucleotide located close to a canonical splice site and therefore could affect mRNA splicing, leading to a significantly altered protein sequence. 4/4 computational tools predict no significant impact on normal splicing. However, these predictions have yet to be confirmed by functional studies. The variant allele was found at a frequency of 0.016 in 277078 control chromosomes, predominantly at a frequency of 0.11 within the Latino subpopulation in the gnomAD database, including 235 homozygotes. The observed variant frequency within Latino control individuals in the gnomAD database is approximately 54-fold of the estimated maximal expected allele frequency for a pathogenic variant in COL4A3 causing autosomal recessive Alport Syndrome (0.002), strongly suggesting that the variant is a benign polymorphism found primarily in populations of Latino origin. To our knowledge, no occurrence of c.88-4C>T in individuals affected with autosomal recessive Alport Syndrome and no experimental evidence demonstrating its impact on protein function have been reported. Four clinical diagnostic laboratories have submitted clinical-significance assessments for this variant to ClinVar after 2014 without evidence for independent evaluation. All laboratories classified the variant as benign (3x) /likely benign (1x). Based on the evidence outlined above, the variant was classified as benign.

Illumina Laboratory Services, Illumina
Classification: Benign for Alport syndrome. Last evaluated: 2018-01-13. Review status: criteria provided, single submitter. Criteria: ICSL Variant Classification Criteria 13 December 2019. Collection method: clinical testing. Allele origin: germline.
Comment: This variant was observed in the ICSL laboratory as part of a predisposition screen in an ostensibly healthy population. It had not been previously curated by ICSL or reported in the Human Gene Mutation Database (HGMD: prior to June 1st, 2018), and was therefore a candidate for classification through an automated scoring system. Utilizing variant allele frequency, disease prevalence and penetrance estimates, and inheritance mode, an automated score was calculated to assess if this variant is too frequent to cause the disease. Based on the score and internal cut-off values, a variant classified as benign is not then subjected to further curation. The score for this variant resulted in a classification of benign for this disease.

GeneDx
Classification: Benign. Last evaluated: 2017-09-20. Review status: criteria provided, single submitter. Criteria: GeneDx Variant Classification (06012015). Collection method: clinical testing. Allele origin: germline. Affected: yes.
Comment: This variant is considered likely benign or benign based on one or more of the following criteria: it is a conservative change, it occurs at a poorly conserved position in the protein, it is predicted to be benign by multiple in silico algorithms, and/or has population frequency not consistent with disease.

PreventionGenetics, part of Exact Sciences
Classification: Benign. Last evaluated: 2016-04-20. Review status: criteria provided, single submitter. Criteria: ACMG Guidelines, 2015. Collection method: clinical testing. Allele origin: germline.

Laboratory for Molecular Medicine, Mass General Brigham Personalized Medicine
Classification: Benign. Last evaluated: 2016-03-21. Review status: criteria provided, single submitter. Criteria: LMM Criteria. Collection method: clinical testing. Allele origin: germline. Observed: 9 variant alleles.
Comment: c.88-4C>T in intron 1 of COL4A3: This variant is not expected to have clinical s ignificance because it is not located within the splice consensus sequence and h as been identified in 11.92% (1380/11576) of Latino chromosomes by the Exome Agg regation Consortium (ExAC; dbSNP rs148393022).

Breakthrough Genomics
Classification: Benign. Review status: criteria provided, single submitter. Criteria: ACMG Guidelines, 2015. Collection method: not provided. Allele origin: germline. Inheritance: Autosomal recessive inheritance. Affected: yes.

Natera, Inc.
Classification: Benign for Alport syndrome. Last evaluated: 2020-09-16. Review status: no assertion criteria provided. Collection method: clinical testing. Allele origin: germline. Not counted in ClinVar's aggregate classification.

Genome Diagnostics Laboratory, University Medical Center Utrecht
Classification: Benign. Review status: no assertion criteria provided. Collection method: clinical testing. Allele origin: germline. Affected: yes. Study: VKGL Data-share Consensus. Not counted in ClinVar's aggregate classification.

Joint Genome Diagnostic Labs from Nijmegen and Maastricht, Radboudumc and MUMC+
Classification: Benign. Review status: no assertion criteria provided. Collection method: clinical testing. Allele origin: germline. Affected: yes. Study: VKGL Data-share Consensus. Not counted in ClinVar's aggregate classification.